The following is an entry in ClinVar:

NM_002880.4(RAF1):c.884G>C (p.Ser295Thr)

Gene: RAF1 (Raf-1 proto-oncogene, serine/threonine kinase; minus strand). Cytogenetic location: 3p25.2.
Variant type: single nucleotide variant.
Coding change: c.884G>C on transcript NM_002880.4 (MANE Select); coding-DNA position 884, G replaced by C.
Protein change: p.Ser295Thr; replaces serine 295 with threonine.
Molecular consequence: missense variant. On other transcripts: non-coding transcript variant (3).
Genome position (GRCh38, 1-based): chr3:12,600,258, C>G on the plus strand (G>C on the coding strand, the complement: RAF1 is on the minus strand). VCF-style: chr3-12600258-C-G. GRCh37 (hg19) VCF-style: chr3-12641757-C-G.
Other names: c.944G>C, p.Ser315Thr (NM_001354689.3); c.884G>C, p.Ser295Thr (NM_001354690.3); c.641G>C, p.Ser214Thr (NM_001354691.3, NM_001354692.3); c.785G>C, p.Ser262Thr (NM_001354693.3); c.701G>C, p.Ser234Thr (NM_001354694.3); c.542G>C, p.Ser181Thr (NM_001354695.3); short protein forms S234T, S295T, S315T, S181T, S214T, S262T.
Identifiers: ClinVar variation 965322 (VCV000965322.17), dbSNP rs191560404, ClinGen allele CA2259637.
Genomic context (GRCh38, chr3:12,600,258, plus strand): 5'-TGTGCTGGCACGGGGGTTTTCGGCTGTGACCAGCCTGTTGGGCTCAGATTGTTGGGGCTA[C>G]TGGACAGGGCTGAAGGTGAGGCTTAATAGACAAGACAAACAGAAGCCACACAAGGATAAG-3'
Protein context (NP_002871.1, residues 285-305): SESASPSALS[Ser295Thr]SPNNLSPTGW

ClinVar aggregate classification (germline): Uncertain significance. Review status: criteria provided, multiple submitters, no conflicts (2 of 4 stars). 7 submissions from 7 submitters: Uncertain significance (7). Last evaluated 2026-06-01.

Conditions:
RASopathy. Also called: Noonan spectrum disorder; rasopathies. Identifiers: Orphanet 536391, MedGen C5555857, MONDO:0021060.
Cardiovascular phenotype. Identifiers: MedGen CN230736.
Noonan syndrome 5 (NS5). Also called: RAF1-Related Noonan Syndrome. Identifiers: Orphanet 648, MedGen C1969057, MONDO:0012690, OMIM 611553. Disease mechanism: gain of function.

Allele frequency attached by ClinVar (database versions not stated): gnomAD exomes below 0.00001 and 0.00001; ExAC 0.00001; gnomAD 0.00001; 1000 Genomes Project 30x 0.00016; 1000 Genomes Project 0.00020.
gnomAD v4.1: 4 of 1,614,146 alleles (0.00025%); highest among the groups gnomAD compares: Admixed American, 0.005%; no homozygotes.

Submissions (7):

CeGaT Center for Human Genetics Tuebingen
Classification: Uncertain significance. Last evaluated: 2026-06-01. Review status: criteria provided, single submitter. Criteria: CeGaT Center For Human Genetics Tuebingen Variant Classification Criteria Version 2. Collection method: clinical testing. Allele origin: germline. Affected: yes. Observed: 1 variant allele.
Comment: RAF1: PM2, BP4

St. Jude Molecular Pathology, St. Jude Children's Research Hospital
Classification: Uncertain significance for Noonan syndrome 5. Last evaluated: 2026-02-20. Review status: criteria provided, single submitter. Criteria: St. Jude Assertion Criteria 2020. Collection method: clinical testing. Allele origin: germline.
Comment: The RAF1 c.884G>C p.(Ser295Thr) missense change has a maximum subpopulation frequency of 0.0058% in gnomAD v2.1.1. The in silico tool REVEL predicts a benign effect on protein func tion, but to our knowledge this prediction has not been confirmed by functional studies. This variant has been reported in individual (s) undergoing testing for Noonan syndrome (PMID: 29907801). In summary, the evidence currently available is insufficien t to determine the clinical significance of this variant. It has therefore been classified as of uncertain significance.

Ambry Genetics
Classification: Uncertain significance for Cardiovascular phenotype. Last evaluated: 2025-09-11. Review status: criteria provided, single submitter. Criteria: Ambry Variant Classification Scheme 2023. Collection method: clinical testing. Allele origin: germline.
Comment: The p.S295T variant (also known as c.884G>C), located in coding exon 8 of the RAF1 gene, results from a G to C substitution at nucleotide position 884. The serine at codon 295 is replaced by threonine, an amino acid with similar properties. This variant was reported in individual(s) undergoing testing for Noonan syndrome with limited clinical details provided (Leach NT et al. Genet Med, 2019 Feb;21:417-425). This amino acid position is well conserved in available vertebrate species. In addition, this alteration is predicted to be tolerated by in silico analysis. Based on the available evidence, the clinical significance of this variant remains unclear.

GeneDx
Classification: Uncertain significance. Last evaluated: 2025-08-05. Review status: criteria provided, single submitter. Criteria: GeneDx Variant Classification Process June 2021. Collection method: clinical testing. Allele origin: germline. Affected: yes.
Comment: Identified in a postnatal cohort tested for Noonan syndrome (PMID: 29907801); Missense variants in this gene are a common cause of disease and they are underrepresented in the general population; In silico analysis suggests that this missense variant does not alter protein structure/function; This variant is associated with the following publications: (PMID: 30050098, 29907801)

Labcorp Genetics (formerly Invitae), Labcorp
Classification: Uncertain significance for RASopathy. Last evaluated: 2025-01-06. Review status: criteria provided, single submitter. Criteria: Invitae Variant Classification Sherloc (09022015). Collection method: clinical testing. Allele origin: germline.
Comment: This sequence change replaces serine, which is neutral and polar, with threonine, which is neutral and polar, at codon 295 of the RAF1 protein (p.Ser295Thr). This variant is present in population databases (rs191560404, gnomAD 0.003%). This missense change has been observed in individual(s) with clinical features of RAF1-related conditions (PMID: 29907801). ClinVar contains an entry for this variant (Variation ID: 965322). Invitae Evidence Modeling of protein sequence and biophysical properties (such as structural, functional, and spatial information, amino acid conservation, physicochemical variation, residue mobility, and thermodynamic stability) indicates that this missense variant is not expected to disrupt RAF1 protein function with a negative predictive value of 95%. In summary, the available evidence is currently insufficient to determine the role of this variant in disease. Therefore, it has been classified as a Variant of Uncertain Significance.

Women's Health and Genetics/Laboratory Corporation of America, LabCorp
Classification: Uncertain significance. Last evaluated: 2024-03-04. Review status: criteria provided, single submitter. Criteria: LabCorp Variant Classification Summary - May 2015. Collection method: clinical testing. Allele origin: germline.
Comment: Variant summary: RAF1 c.884G>C (p.Ser295Thr) results in a conservative amino acid change in the encoded protein sequence. Four of five in-silico tools predict a benign effect of the variant on protein function. The variant allele was found at a frequency of 1.2e-05 in 253584 control chromosomes. The available data on variant occurrences in the general population are insufficient to allow any conclusion about variant significance. c.884G>C has been reported in the literature in individuals affected with features of Noonan Syndrome And Related Conditions (Leach_2019). These reports do not provide unequivocal conclusions about association of the variant with Noonan Syndrome And Related Conditions. To our knowledge, no experimental evidence demonstrating an impact on protein function has been reported. The following publication have been ascertained in the context of this evaluation (PMID: 29907801). ClinVar contains an entry for this variant (Variation ID: 965322). Based on the evidence outlined above, the variant was classified as uncertain significance.

New York Genome Center
Classification: Uncertain significance for Rasopathy. Last evaluated: 2021-02-05. Review status: criteria provided, single submitter. Criteria: NYGC Assertion Criteria 2020. Collection method: clinical testing. Allele origin: inherited. Observed: 1 heterozygote. Study: CSER-NYCKidSeq.

Literature cited by the submitters: PubMed 29907801 (cited by 3 submitters).